The following is an entry in ClinVar:

NM_004082.5(DCTN1):c.1605A>G (p.Thr535=)

Gene: DCTN1 (dynactin subunit 1; minus strand). Cytogenetic location: 2p13.1.
Variant type: single nucleotide variant.
Coding change: c.1605A>G on transcript NM_004082.5 (MANE Select); coding-DNA position 1605, A replaced by G.
Protein change: p.Thr535=; no amino-acid change (threonine 535 retained).
Molecular consequence: synonymous variant. On other transcripts: non-coding transcript variant (1).
Genome position (GRCh38, 1-based): chr2:74,369,194, T>C on the plus strand (A>G on the coding strand, the complement: DCTN1 is on the minus strand). VCF-style: chr2-74369194-T-C. GRCh37 (hg19) VCF-style: chr2-74596321-T-C.
Other names: p.Thr535=; c.1545A>G, p.Thr515= (NM_001135040.3); c.1203A>G, p.Thr401= (NM_001135041.3, NM_023019.4); c.1494A>G, p.Thr498= (NM_001190836.2); c.1584A>G, p.Thr528= (NM_001190837.2); c.1554A>G, p.Thr518= (NM_001378991.1); c.1536A>G, p.Thr512= (NM_001378992.1).
Identifiers: ClinVar variation 259233 (VCV000259233.23), dbSNP rs13429423, ClinGen allele CA1722091.

ClinVar aggregate classification (germline): Benign. Review status: criteria provided, multiple submitters, no conflicts (2 of 4 stars). 10 submissions from 9 submitters: Benign (8). 2 of the submissions do not count toward it. Last evaluated 2026-01-31.

Conditions:
Neuronopathy, distal hereditary motor, type 7B. Also called: NEURONOPATHY, DISTAL HEREDITARY MOTOR, AUTOSOMAL DOMINANT 14; NEURONOPATHY, DISTAL HEREDITARY MOTOR, HARDING TYPE VIIB; NEUROPATHY, DISTAL HEREDITARY MOTOR, HARDING TYPE VIIB; NEUROPATHY, DISTAL HEREDITARY MOTOR, WITH VOCAL CORD PARALYSIS, HARDING TYPE VIIB; Distal Hereditary Motor Neuronopathy Type 7B (dHMN7B); HMN VIIB. Identifiers: Orphanet 139589, MedGen C1843315, MONDO:0011879, OMIM 607641.
Perry syndrome. Also called: PARKINSONISM WITH ALVEOLAR HYPOVENTILATION AND MENTAL DEPRESSION. Identifiers: Orphanet 178509, MedGen C1868594, MONDO:0008201, OMIM 168605.
Amyotrophic lateral sclerosis type 1 (ALS1). Also called: AMYOTROPHIC LATERAL SCLEROSIS 1, FAMILIAL. Identifiers: Orphanet 803, MedGen C1862939, MONDO:0007103, OMIM 105400.

Allele frequency attached by ClinVar (database versions not stated): gnomAD exomes 0.00369 and 0.00975; ExAC 0.01214; gnomAD 0.03846 and 0.04117; TOPMed 0.04310; 1000 Genomes Project 0.04433; 1000 Genomes Project 30x 0.04466; ESP Exome Variant Server 0.04583.
gnomAD v4.1: 11,467 of 1,614,190 alleles (0.71%); highest among the groups gnomAD compares: African/African-American, 13%; 728 homozygotes.

Submissions (10):

Labcorp Genetics (formerly Invitae), Labcorp
Classification: Benign for Amyotrophic lateral sclerosis type 1; Neuronopathy, distal hereditary motor, type 7B; Perry syndrome. Last evaluated: 2026-01-31. Review status: criteria provided, single submitter. Criteria: Invitae Variant Classification Sherloc (09022015). Collection method: clinical testing. Allele origin: germline.

Athena Diagnostics
Classification: Benign. Last evaluated: 2025-01-03. Review status: criteria provided, single submitter. Criteria: Athena Diagnostics Criteria. Collection method: clinical testing. Allele origin: unknown.
Comment: The frequency of this variant in the general population is higher than would generally be expected for pathogenic variants in this gene.

Illumina Laboratory Services, Illumina
Classification: Benign for Neuronopathy, distal hereditary motor, type 7B. Last evaluated: 2018-01-12. Review status: criteria provided, single submitter. Criteria: ICSL Variant Classification Criteria 13 December 2019. Collection method: clinical testing. Allele origin: germline.
Comment: This variant was observed in the ICSL laboratory as part of a predisposition screen in an ostensibly healthy population. It had not been previously curated by ICSL or reported in the Human Gene Mutation Database (HGMD: prior to June 1st, 2018), and was therefore a candidate for classification through an automated scoring system. Utilizing variant allele frequency, disease prevalence and penetrance estimates, and inheritance mode, an automated score was calculated to assess if this variant is too frequent to cause the disease. Based on the score and internal cut-off values, a variant classified as benign is not then subjected to further curation. The score for this variant resulted in a classification of benign for this disease.

Illumina Laboratory Services, Illumina
Classification: Benign for Perry syndrome. Last evaluated: 2018-01-12. Review status: criteria provided, single submitter. Criteria: ICSL Variant Classification Criteria 13 December 2019. Collection method: clinical testing. Allele origin: germline.
Comment: the same text as in the submission from Illumina Laboratory Services, Illumina above.

Mayo Clinic Laboratories, Mayo Clinic
Classification: Benign. Last evaluated: 2016-06-13. Review status: criteria provided, single submitter. Criteria: ACMG Guidelines, 2015. Collection method: clinical testing. Allele origin: germline. Observed: 26 variant alleles.

GeneDx
Classification: Benign. Last evaluated: 2015-03-03. Review status: criteria provided, single submitter. Criteria: GeneDx Variant Classification Process June 2021. Collection method: clinical testing. Allele origin: germline. Affected: yes.

Breakthrough Genomics
Classification: Benign. Review status: criteria provided, single submitter. Criteria: ACMG Guidelines, 2015. Collection method: not provided. Allele origin: germline. Inheritance: Autosomal recessive inheritance. Affected: yes.

PreventionGenetics, part of Exact Sciences
Classification: Benign. Review status: criteria provided, single submitter. Criteria: ACMG Guidelines, 2015. Collection method: clinical testing. Allele origin: germline.

Clinical Genetics DNA and cytogenetics Diagnostics Lab, Erasmus MC, Erasmus Medical Center
Classification: Benign. Review status: no assertion criteria provided. Collection method: clinical testing. Allele origin: germline. Affected: yes. Study: VKGL Data-share Consensus. Not counted in ClinVar's aggregate classification.

Clinical Genetics, Academic Medical Center
Classification: Benign. Review status: no assertion criteria provided. Collection method: clinical testing. Allele origin: germline. Affected: yes. Study: VKGL Data-share Consensus. Not counted in ClinVar's aggregate classification.